The following is an entry in ClinVar:

ClinVar aggregate classification (germline): Uncertain significance (1 of 4 stars; one submission).

Conditions:
Absence seizure. Also called: Absence epilepsy. Identifiers: Orphanet 1941, MedGen C0014553.
Myoclonic epilepsy, juvenile, susceptibility to, 1. Also called: Myoclonic Epilepsy, Juvenile, 1; EJM1. Identifiers: MedGen C1850778, MONDO:0020752, OMIM 254770.

Allele frequency attached by ClinVar (database versions not stated): gnomAD exomes below 0.00001; ExAC 0.00001.
gnomAD v4.1: 2 of 1,614,172 alleles (0.00012%); highest among the groups gnomAD compares: Non-Finnish European, 0.00017%; no homozygotes.

Submission:

Labcorp Genetics (formerly Invitae), Labcorp
Classification: Uncertain significance for Myoclonic epilepsy, juvenile, susceptibility to, 1; Absence seizure. Last evaluated: 2022-08-16. Review status: criteria provided, single submitter. Criteria: Invitae Variant Classification Sherloc (09022015). Collection method: clinical testing. Allele origin: germline.
Comment: This variant has not been reported in the literature in individuals affected with EFHC1-related conditions. This sequence change replaces alanine, which is neutral and non-polar, with glycine, which is neutral and non-polar, at codon 521 of the EFHC1 protein (p.Ala521Gly). This variant is present in population databases (rs766675010, gnomAD 0.0009%). ClinVar contains an entry for this variant (Variation ID: 572605). Algorithms developed to predict the effect of missense changes on protein structure and function (SIFT, PolyPhen-2, Align-GVGD) all suggest that this variant is likely to be tolerated. In summary, the available evidence is currently insufficient to determine the role of this variant in disease. Therefore, it has been classified as a Variant of Uncertain Significance.

NM_018100.4(EFHC1):c.1562C>G (p.Ala521Gly)

Gene: EFHC1 (EF-hand domain containing 1; plus strand). Cytogenetic location: 6p12.2.
Variant type: single nucleotide variant.
Coding change: c.1562C>G on transcript NM_018100.4 (MANE Select); coding-DNA position 1562, C replaced by G.
Protein change: p.Ala521Gly; replaces alanine 521 with glycine.
Molecular consequence: missense variant. On other transcripts: non-coding transcript variant (1).
Genome position (GRCh38, 1-based): chr6:52,479,709, C>G. VCF-style: chr6-52479709-C-G. GRCh37 (hg19) VCF-style: chr6-52344507-C-G.
Other names: c.1505C>G, p.Ala502Gly (NM_001172420.2); short protein forms A521G, A502G.
Identifiers: ClinVar variation 572605 (VCV000572605.10), dbSNP rs766675010, ClinGen allele CA3856123.